The following is an entry in ClinVar:

NM_005529.7(HSPG2):c.9346G>A (p.Val3116Met)

Gene: HSPG2 (heparan sulfate proteoglycan 2; minus strand). Cytogenetic location: 1p36.12.
Variant type: single nucleotide variant.
Coding change: c.9346G>A on transcript NM_005529.7 (MANE Select); coding-DNA position 9346, G replaced by A.
Protein change: p.Val3116Met; replaces valine 3116 with methionine.
Molecular consequence: missense variant.
Genome position (GRCh38, 1-based): chr1:21,841,268, C>T on the plus strand (G>A on the coding strand, the complement: HSPG2 is on the minus strand). VCF-style: chr1-21841268-C-T. GRCh37 (hg19) VCF-style: chr1-22167761-C-T.
Other names: c.9349G>A, p.Val3117Met (NM_001291860.2); short protein forms V3116M, V3117M.
Identifiers: ClinVar variation 1016150 (VCV001016150.6), dbSNP rs758871690, ClinGen allele CA670465.
Genomic context (GRCh38, chr1:21,841,268, plus strand): 5'-TGACACACTCCAGGGTGACAGCCTTTCCCACTTTCACCCACACGGGGCCCTCGGGGAGCA[C>T]GGACACTGTAGGGGGCCCTGTGCGGAGGAATGACAACCACTGACACACAGGCAGGGCTCT-3'
Protein context (NP_005520.4, residues 3106-3126): LSVHGPPTVS[Val3116Met]LPEGPVWVKV

ClinVar aggregate classification (germline): Uncertain significance (1 of 4 stars; one submission).

gnomAD v4.1: 32 of 1,613,646 alleles (0.002%); highest among the groups gnomAD compares: South Asian, 0.016%; no homozygotes.

Submission:

Labcorp Genetics (formerly Invitae), Labcorp
Classification: Uncertain significance. Last evaluated: 2021-08-31. Review status: criteria provided, single submitter. Criteria: Invitae Variant Classification Sherloc (09022015). Collection method: clinical testing. Allele origin: germline.
Comment: This sequence change replaces valine with methionine at codon 3116 of the HSPG2 protein (p.Val3116Met). The valine residue is moderately conserved and there is a small physicochemical difference between valine and methionine. This variant is present in population databases (rs758871690, ExAC 0.006%). This variant has not been reported in the literature in individuals affected with HSPG2-related conditions. Algorithms developed to predict the effect of missense changes on protein structure and function are either unavailable or do not agree on the potential impact of this missense change (SIFT: "Deleterious"; PolyPhen-2: "Probably Damaging"; Align-GVGD: "Class C0"). In summary, the available evidence is currently insufficient to determine the role of this variant in disease. Therefore, it has been classified as a Variant of Uncertain Significance.